The following is an entry in ClinVar:

NM_000070.3(CAPN3):c.2172dup (p.Lys725Ter)

Gene: CAPN3 (calpain 3; plus strand). Cytogenetic location: 15q15.1.
Variant type: Duplication.
Coding change: c.2172dup on transcript NM_000070.3 (MANE Select); coding-DNA position 2172, one base duplicated (T; older notation c.2172dupT).
Protein change: p.Lys725Ter; replaces lysine 725 with a stop codon.
Molecular consequence: nonsense.
Genome position (GRCh38, 1-based): chr15:42,410,484, T duplicated; the last of 2 consecutive T bases (chr15:42,410,483-42,410,484); duplicating either gives the same sequence. VCF-style (leftmost placement, unchanged base first): chr15-42410482-A-AT. GRCh37 (hg19) VCF-style: chr15-42702680-A-AT.
Other names: c.2154dup, p.Lys719Ter (NM_024344.2); c.1896dup, p.Lys633Ter (NM_173087.2); c.636dup, p.Lys213Ter (NM_173088.2); c.177dup, p.Lys60Ter (NM_173089.2, NM_173090.2); short protein forms K213*, K60*, K633*, K719*, K725*.
Identifiers: ClinVar variation 4816237 (VCV004816237.1).
Genomic context (GRCh38, chr15:42,410,482, plus strand): 5'-CTCCAGACAGATGGCTCTGGAAAGCTCAACCTGCAGGAGTTCCACCACCTCTGGAACAAG[A>AT]TTAAGGCCTGGCAGGTGGGAAGAGAAAATGAAGCGTGGGAGTCAAGAATGGGGTTGATTT-3'

ClinVar aggregate classification (germline): Likely pathogenic (1 of 4 stars; one submission).

Conditions:
Autosomal recessive limb-girdle muscular dystrophy type 2A (LGMDR1). Also called: Calpainopathy; LEYDEN-MOEBIUS MUSCULAR DYSTROPHY; MUSCULAR DYSTROPHY, PELVOFEMORAL; Muscular dystrophy, limb-girdle, type 2A, Amish; Limb-girdle muscular dystrophy, type 2A. Identifiers: Orphanet 267, MedGen C1869123, MONDO:0009675, OMIM 253600. Disease mechanism: loss of function.

Submission:

Natera, Inc.
Classification: Likely pathogenic for Limb-girdle muscular dystrophy type 2A. Last evaluated: 2025-04-23. Review status: criteria provided, single submitter. Criteria: Natera Variant Classification Schema (03/2026). Collection method: clinical testing. Allele origin: germline.
Comment: The c.2172dupT variant in CAPN3 is a frameshift variant predicted to shift the reading frame and introduce a stop codon. This variant is expected to result in nonsense mediated decay, truncation, or a dysfunctional protein product. This variant is rare in the general population with a frequency below the threshold expected for the associated phenotype(s). Given the available evidence, this variant is classified as Likely Pathogenic.